The following is an entry in ClinVar:

ClinVar aggregate classification (germline): Conflicting classifications of pathogenicity. Review status: criteria provided, conflicting classifications (1 of 4 stars). 5 submissions from 5 submitters: Uncertain significance (1); Likely benign (4). Last evaluated 2026-01-05.

Conditions:
ADGRV1-related disorder. Also called: ADGRV1-related condition; ADGRV1-related disorders.
Usher syndrome type 2C. Also called: Usher syndrome, type 2B; USHER SYNDROME, TYPE IIC. Identifiers: Orphanet 231178, Orphanet 886, MedGen C2931213, MONDO:0011558, OMIM 605472.

Allele frequency attached by ClinVar (database versions not stated): gnomAD exomes below 0.00001; TOPMed 0.00001.
gnomAD v4.1: 11 of 1,610,954 alleles (0.00068%); highest among the groups gnomAD compares: East Asian, 0.0022%; no homozygotes.

Submissions (5):

Labcorp Genetics (formerly Invitae), Labcorp
Classification: Likely benign. Last evaluated: 2026-01-05. Review status: criteria provided, single submitter. Criteria: Invitae Variant Classification Sherloc (09022015). Collection method: clinical testing. Allele origin: germline.

PreventionGenetics, part of Exact Sciences
Classification: Likely benign for ADGRV1-related condition. Last evaluated: 2025-06-23. Review status: criteria provided, single submitter. Criteria: ACMG Guidelines, 2015. Collection method: clinical testing. Allele origin: germline.
Comment: This variant is classified as likely benign based on ACMG/AMP sequence variant interpretation guidelines (Richards et al. 2015 PMID: 25741868, with internal and published modifications).

Blueprint Genetics
Classification: Likely benign. Last evaluated: 2022-08-25. Review status: criteria provided, single submitter. Criteria: ACMG Guidelines, 2015. Collection method: clinical testing. Allele origin: germline.

Illumina Laboratory Services, Illumina
Classification: Uncertain significance for Usher syndrome type 2C. Last evaluated: 2018-01-13. Review status: criteria provided, single submitter. Criteria: ICSL Variant Classification Criteria 13 December 2019. Collection method: clinical testing. Allele origin: germline.

Laboratory for Molecular Medicine, Mass General Brigham Personalized Medicine
Classification: Likely benign. Last evaluated: 2013-06-11. Review status: criteria provided, single submitter. Criteria: LMM Criteria. Collection method: clinical testing. Allele origin: germline. Observed: 1 variant allele.
Comment: Glu4809Glu in exon 70 of GPR98: This variant is not expected to have clinical si gnificance because it does not alter an amino acid residue and it is not located within the splice consensus sequence.

NM_032119.4(ADGRV1):c.14427A>G (p.Glu4809=)

Gene: ADGRV1 (adhesion G protein-coupled receptor V1; plus strand). Cytogenetic location: 5q14.3.
Variant type: single nucleotide variant.
Coding change: c.14427A>G on transcript NM_032119.4 (MANE Select); coding-DNA position 14427, A replaced by G.
Protein change: p.Glu4809=; no amino-acid change (glutamic acid 4809 retained).
Molecular consequence: synonymous variant. On other transcripts: non-coding transcript variant (1).
Genome position (GRCh38, 1-based): chr5:90,791,256, A>G. VCF-style: chr5-90791256-A-G. GRCh37 (hg19) VCF-style: chr5-90087073-A-G.
Identifiers: ClinVar variation 179072 (VCV000179072.19), dbSNP rs727504605, ClinGen allele CA183672.
Genomic context (GRCh38, chr5:90,791,256, plus strand): 5'-GCTTGCTGGAACATTTGGAGATGTGGCTGTTGGGCTTCGAATATCATCGGATCATAAAGA[A>G]CAGCCGATTGTTACCGAAAATGCAGAGAGGCAGCTGGTGGTCAAAGATGGTGCCACATAT-3'
Protein context (NP_115495.3, residues 4799-4819): VGLRISSDHK[Glu4809=]QPIVTENAER